The following is an entry in ClinVar:

NM_001040142.2(SCN2A):c.3700C>T (p.Gln1234Ter)

Gene: SCN2A (sodium voltage-gated channel alpha subunit 2; plus strand). Cytogenetic location: 2q24.3.
Variant type: single nucleotide variant.
Coding change: c.3700C>T on transcript NM_001040142.2 (MANE Select); coding-DNA position 3700, C replaced by T.
Protein change: p.Gln1234Ter; replaces glutamine 1234 with a stop codon.
Molecular consequence: nonsense.
Genome position (GRCh38, 1-based): chr2:165,370,150, C>T. VCF-style: chr2-165370150-C-T. GRCh37 (hg19) VCF-style: chr2-166226660-C-T.
Other names: c.3700C>T, p.Gln1234Ter (NM_001040143.2, NM_001371246.1, NM_001371247.1 and 1 more transcripts); short protein forms Q1234*.
Identifiers: ClinVar variation 2576043 (VCV002576043.1), dbSNP rs1553591732, ClinGen allele CA349027608.

ClinVar aggregate classification (germline): Likely pathogenic (1 of 4 stars; one submission).

Submission:

Institute for Clinical Genetics, University Hospital TU Dresden, University Hospital TU Dresden
Classification: Likely pathogenic. Last evaluated: 2022-07-05. Review status: criteria provided, single submitter. Criteria: ACMG Guidelines, 2015. Collection method: clinical testing. Allele origin: germline.
Comment: PVS1, PM2_SUP